The following is an entry in ClinVar:

NM_001283009.2(RTEL1):c.1123C>G (p.His375Asp)

Genes: RTEL1 (regulator of telomere elongation helicase 1; plus strand), RTEL1-TNFRSF6B (RTEL1-TNFRSF6B readthrough (NMD candidate); plus strand). Cytogenetic location: 20q13.33.
Variant type: single nucleotide variant.
Coding change: c.1123C>G on transcript NM_001283009.2 (MANE Select); coding-DNA position 1123, C replaced by G.
Protein change: p.His375Asp; replaces histidine 375 with aspartic acid.
Molecular consequence: missense variant. On other transcripts: non-coding transcript variant (1).
Genome position (GRCh38, 1-based): chr20:63,679,934, C>G. VCF-style: chr20-63679934-C-G. GRCh37 (hg19) VCF-style: chr20-62311287-C-G.
Other names: c.454C>G, p.His152Asp (NM_001283010.1); c.1123C>G, p.His375Asp (NM_016434.4); c.1195C>G, p.His399Asp (NM_032957.5); short protein forms H152D, H375D, H399D.
Identifiers: ClinVar variation 4157713 (VCV004157713.1).

ClinVar aggregate classification (germline): Uncertain significance (1 of 4 stars; one submission).

Conditions:
Inborn genetic diseases. Identifiers: MedGen C0950123, MeSH D030342.

gnomAD v4.1: 1 of 1,611,834 alleles (0.000062%); highest among the groups gnomAD compares: Non-Finnish European, 0.000085%; no homozygotes.

Submission:

Ambry Genetics
Classification: Uncertain significance for Inborn genetic diseases. Last evaluated: 2025-08-30. Review status: criteria provided, single submitter. Criteria: Ambry Variant Classification Scheme 2023. Collection method: clinical testing. Allele origin: germline.
Comment: The p.H375D variant (also known as c.1123C>G), located in coding exon 12 of the RTEL1 gene, results from a C to G substitution at nucleotide position 1123. The histidine at codon 375 is replaced by aspartic acid, an amino acid with similar properties. This amino acid position is conserved. In addition, the in silico prediction for this alteration is inconclusive. Based on the available evidence, the clinical significance of this variant remains unclear.